The following is an entry in ClinVar:

NM_000321.3(RB1):c.2674C>T (p.Pro892Ser)

Gene: RB1 (RB transcriptional corepressor 1; plus strand). Cytogenetic location: 13q14.2.
Variant type: single nucleotide variant.
Coding change: c.2674C>T on transcript NM_000321.3 (MANE Select); coding-DNA position 2674, C replaced by T.
Protein change: p.Pro892Ser; replaces proline 892 with serine.
Molecular consequence: missense variant.
Genome position (GRCh38, 1-based): chr13:48,477,365, C>T. VCF-style: chr13-48477365-C-T. GRCh37 (hg19) VCF-style: chr13-49051501-C-T.
Other names: c.2674C>T, p.Pro892Ser (NM_001407165.1); c.124C>T, p.Pro42Ser (NM_001407168.1); short protein forms P42S, P892S.
Identifiers: ClinVar variation 1794593 (VCV001794593.4), dbSNP rs1949510444, ClinGen allele CA388157780.

ClinVar aggregate classification (germline): Conflicting classifications of pathogenicity. Review status: criteria provided, conflicting classifications (1 of 4 stars). 2 submissions from 2 submitters: Uncertain significance (1); Likely benign (1). Last evaluated 2026-05-19.

Conditions:
Hereditary cancer-predisposing syndrome. Also called: Neoplastic Syndromes, Hereditary; Tumor predisposition; Hereditary Cancer Syndrome; Hereditary neoplastic syndrome. Identifiers: Orphanet 140162, MedGen C0027672, MeSH D009386, MONDO:0015356.
Retinoblastoma (RB1). Also called: RETINOBLASTOMA, SOMATIC. Identifiers: Orphanet 790, MedGen C0035335, MeSH D012175, MONDO:0008380, OMIM 180200, HP:0009919. Disease mechanism: loss of function. Inheritance: Both sporadic and heritable forms are tested..

Allele frequency attached by ClinVar (database versions not stated): TOPMed below 0.00001.

Submissions (2):

Ambry Genetics
Classification: Likely benign for Hereditary cancer-predisposing syndrome. Last evaluated: 2026-05-19. Review status: criteria provided, single submitter. Criteria: Ambry Variant Classification Scheme 2023. Collection method: clinical testing. Allele origin: germline.

St. Jude Molecular Pathology, St. Jude Children's Research Hospital
Classification: Uncertain significance for Retinoblastoma. Last evaluated: 2023-05-16. Review status: criteria provided, single submitter. Criteria: St. Jude Assertion Criteria 2020. Collection method: clinical testing. Allele origin: germline.
Comment: The RB1 c.2674C>T (p.Pro892Ser) missense change is absent in gnomAD v2.1.1. The in silico tool REVEL predicts a benign effect on protein function, but to our knowledge this prediction has not been confirmed by functional studies. To our knowledge, this variant has not been reported in the literature in individuals with retinoblastoma. In summary, the evidence currently available is insufficient to determine the clinical significance of this variant. It has therefore been classified as of uncertain significance.